The following is an entry in ClinVar:

NM_001042424.3(NSD2):c.1366G>C (p.Ala456Pro)

Gene: NSD2 (nuclear receptor binding SET domain protein 2; plus strand). Cytogenetic location: 4p16.3.
Variant type: single nucleotide variant.
Coding change: c.1366G>C on transcript NM_001042424.3 (MANE Select); coding-DNA position 1366, G replaced by C.
Protein change: p.Ala456Pro; replaces alanine 456 with proline.
Molecular consequence: missense variant.
Genome position (GRCh38, 1-based): chr4:1,918,579, G>C. VCF-style: chr4-1918579-G-C. GRCh37 (hg19) VCF-style: chr4-1920306-G-C.
Other names: c.1366G>C, p.Ala456Pro (NM_007331.2, NM_133330.3, NM_133331.3 and 2 more transcripts); short protein forms A456P.
Identifiers: ClinVar variation 3765725 (VCV003765725.1).

ClinVar aggregate classification (germline): Uncertain significance (1 of 4 stars; one submission).

gnomAD v4.1: 1 of 1,613,996 alleles (0.000062%); highest among the groups gnomAD compares: Non-Finnish European, 0.000085%; no homozygotes.

Submission:

Greenwood Genetic Center Diagnostic Laboratories, Greenwood Genetic Center
Classification: Uncertain significance. Last evaluated: 2024-10-24. Review status: criteria provided, single submitter. Criteria: ACMG Guidelines, 2015. Collection method: clinical testing. Allele origin: germline. Affected: yes.
Comment: PM2, PP2, PP3